The following is an entry in ClinVar:

ClinVar aggregate classification (germline): Uncertain significance (1 of 4 stars; one submission).

Conditions:
Nephronophthisis. Also called: Juvenile Nephronophthisis. Identifiers: Orphanet 655, MedGen C0687120, MONDO:0019005, HP:0000090.

Submission:

Labcorp Genetics (formerly Invitae), Labcorp
Classification: Uncertain significance for Nephronophthisis. Last evaluated: 2023-08-04. Review status: criteria provided, single submitter. Criteria: Invitae Variant Classification Sherloc (09022015). Collection method: clinical testing. Allele origin: germline.
Comment: In summary, the available evidence is currently insufficient to determine the role of this variant in disease. Therefore, it has been classified as a Variant of Uncertain Significance. Advanced modeling of protein sequence and biophysical properties (such as structural, functional, and spatial information, amino acid conservation, physicochemical variation, residue mobility, and thermodynamic stability) performed at Invitae indicates that this missense variant is expected to disrupt NPHP4 protein function. ClinVar contains an entry for this variant (Variation ID: 2118949). This variant has not been reported in the literature in individuals affected with NPHP4-related conditions. This variant is not present in population databases (gnomAD no frequency). This sequence change replaces glycine, which is neutral and non-polar, with valine, which is neutral and non-polar, at codon 1277 of the NPHP4 protein (p.Gly1277Val).

NM_015102.5(NPHP4):c.3830G>T (p.Gly1277Val)

Gene: NPHP4 (nephrocystin 4; minus strand). Cytogenetic location: 1p36.31.
Variant type: single nucleotide variant.
Coding change: c.3830G>T on transcript NM_015102.5 (MANE Select); coding-DNA position 3830, G replaced by T.
Protein change: p.Gly1277Val; replaces glycine 1277 with valine.
Molecular consequence: missense variant. On other transcripts: non-coding transcript variant (1).
Genome position (GRCh38, 1-based): chr1:5,864,504, C>A on the plus strand (G>T on the coding strand, the complement: NPHP4 is on the minus strand). VCF-style: chr1-5864504-C-A. GRCh37 (hg19) VCF-style: chr1-5924564-C-A.
Other names: c.2291G>T, p.Gly764Val (NM_001291593.2); c.2294G>T, p.Gly765Val (NM_001291594.2); short protein forms G1277V, G764V, G765V.
Identifiers: ClinVar variation 2118949 (VCV002118949.4), dbSNP rs1314596738, ClinGen allele CA338049887.